The following is an entry in ClinVar:

NM_000051.4(ATM):c.551del (p.Arg184fs)

Gene: ATM (ATM serine/threonine kinase; plus strand). Cytogenetic location: 11q22.3.
Variant type: Deletion.
Coding change: c.551del on transcript NM_000051.4 (MANE Select); coding-DNA position 551, one base deleted (G; older notation c.551delG).
Protein change: p.Arg184fs; shifts the reading frame from arginine 184.
Molecular consequence: frameshift variant.
Genome position (GRCh38, 1-based): chr11:108,244,007, G deleted. VCF-style (leftmost placement, unchanged base first): chr11-108244006-AG-A. GRCh37 (hg19) VCF-style: chr11-108114733-AG-A.
Other names: c.551del, p.Arg184fs (NM_001351834.2); short protein forms R184fs.
Identifiers: ClinVar variation 4729537 (VCV004729537.1).

ClinVar aggregate classification (germline): Pathogenic (1 of 4 stars; one submission).

Conditions:
Ataxia-telangiectasia syndrome (AT). Also called: Cerebello-oculocutaneous telangiectasia; Immunodeficiency with ataxia telangiectasia; Ataxia-telangiectasia, complementation group E; LOUIS-BAR SYNDROME; AT, COMPLEMENTATION GROUP C; ATAXIA-TELANGIECTASIA, COMPLEMENTATION GROUP A. Identifiers: Orphanet 100, MedGen C0004135, MONDO:0008840, OMIM 208900.

Submission:

Labcorp Genetics (formerly Invitae), Labcorp
Classification: Pathogenic for Ataxia-telangiectasia syndrome. Last evaluated: 2025-10-20. Review status: criteria provided, single submitter. Criteria: Invitae Variant Classification Sherloc (09022015). Collection method: clinical testing. Allele origin: germline.
Comment: This sequence change creates a premature translational stop signal (p.Arg184Lysfs*3) in the ATM gene. It is expected to result in an absent or disrupted protein product. Loss-of-function variants in ATM are known to be pathogenic (PMID: 23807571, 25614872). This variant is not present in population databases (gnomAD no frequency). This variant has not been reported in the literature in individuals affected with ATM-related conditions. For these reasons, this variant has been classified as Pathogenic.

Literature cited by the submitters: PubMed 23807571; PubMed 25614872.